The following is an entry in ClinVar:

NM_000260.4(MYO7A):c.4850C>T (p.Pro1617Leu)

Gene: MYO7A (myosin VIIA; plus strand). Cytogenetic location: 11q13.5.
Variant type: single nucleotide variant.
Coding change: c.4850C>T on transcript NM_000260.4 (MANE Select); coding-DNA position 4850, C replaced by T.
Protein change: p.Pro1617Leu; replaces proline 1617 with leucine.
Molecular consequence: missense variant.
Genome position (GRCh38, 1-based): chr11:77,199,816, C>T. VCF-style: chr11-77199816-C-T. GRCh37 (hg19) VCF-style: chr11-76910861-C-T.
Other names: c.4736C>T, p.Pro1579Leu (NM_001127180.2); c.4703C>T, p.Pro1568Leu (NM_001369365.1); short protein forms P1568L, P1579L, P1617L.
Identifiers: ClinVar variation 3610192 (VCV003610192.3).

ClinVar aggregate classification (germline): Uncertain significance. Review status: criteria provided, multiple submitters, no conflicts (2 of 4 stars). 2 submissions from 2 submitters: Uncertain significance (2). Last evaluated 2024-10-07.

Submissions (2):

Labcorp Genetics (formerly Invitae), Labcorp
Classification: Uncertain significance. Last evaluated: 2024-10-07. Review status: criteria provided, single submitter. Criteria: Invitae Variant Classification Sherloc (09022015). Collection method: clinical testing. Allele origin: germline.
Comment: This sequence change replaces proline, which is neutral and non-polar, with leucine, which is neutral and non-polar, at codon 1617 of the MYO7A protein (p.Pro1617Leu). This variant is not present in population databases (gnomAD no frequency). This variant has not been reported in the literature in individuals affected with MYO7A-related conditions. An algorithm developed to predict the effect of missense changes on protein structure and function (PolyPhen-2) suggests that this variant is likely to be disruptive. In summary, the available evidence is currently insufficient to determine the role of this variant in disease. Therefore, it has been classified as a Variant of Uncertain Significance.

Blueprint Genetics
Classification: Uncertain significance. Last evaluated: 2021-10-08. Review status: criteria provided, single submitter. Criteria: ACMG Guidelines, 2015. Collection method: clinical testing. Allele origin: germline.